The following is an entry in ClinVar:

NM_001754.5(RUNX1):c.165G>T (p.Ala55=)

Gene: RUNX1 (RUNX family transcription factor 1; minus strand). Cytogenetic location: 21q22.12.
Variant type: single nucleotide variant.
Coding change: c.165G>T on transcript NM_001754.5 (MANE Select); coding-DNA position 165, G replaced by T.
Protein change: p.Ala55=; no amino-acid change (alanine 55 retained).
Molecular consequence: synonymous variant.
Genome position (GRCh38, 1-based): chr21:34,887,029, C>A on the plus strand (G>T on the coding strand, the complement: RUNX1 is on the minus strand). VCF-style: chr21-34887029-C-A. GRCh37 (hg19) VCF-style: chr21-36259326-C-A.
Other names: NM_001754.5(RUNX1):c.165G>T; p.Ala55=; c.84G>T, p.Ala28= (NM_001001890.3, NM_001122607.2).
Identifiers: ClinVar variation 2721246 (VCV002721246.5), dbSNP rs766206710, ClinGen allele CA10014579.
Genomic context (GRCh38, chr21:34,887,029, plus strand): 5'-GTCGCCGCTCCTCAGCTTGCCGGCCAGGGCAGCGCCGGCGTCCGGGGCGCCCAGCGGCAA[C>A]GCCTCGCTCATCTTGCCTGGGCTCAGCGCGGTGGAAGGCGGCGTGAAGCGGCGGCTCGTG-3'
Protein context (NP_001745.2, residues 45-65): TALSPGKMSE[Ala55=]LPLGAPDAGA

ClinVar aggregate classification (germline): Likely benign. Review status: reviewed by expert panel (3 of 4 stars). 3 submissions from 3 submitters: Likely benign (1). 2 of the submissions do not count toward it. Last evaluated 2024-09-18.

Conditions:
Hereditary thrombocytopenia and hematological cancer predisposition syndrome associated with RUNX1. Also called: RUNX1 Familial Platelet Disorder with Associated Myeloid Malignancies; Familial Platelet Disorder with Propensity to Acute Myelogenous Leukemia; Familial thrombocytopenia with propensity to acute myelogenous leukemia; PLATELET DISORDER, ASPIRIN-LIKE. Identifiers: Orphanet 71290, MedGen C1832388, MeSH C563324, MONDO:0100083, OMIM 601399.
Inborn genetic diseases. Identifiers: MedGen C0950123, MeSH D030342.
Hereditary thrombocytopenia and hematologic cancer predisposition syndrome. Identifiers: Orphanet 71290, MedGen CN281654, MONDO:0011071.

Allele frequency attached by ClinVar (database versions not stated): ExAC 0.00001.

Submissions (3):

ClinGen Myeloid Malignancy Variant Curation Expert Panel
Classification: Likely benign for Hereditary thrombocytopenia and hematologic cancer predisposition syndrome. Last evaluated: 2024-09-18. Review status: reviewed by expert panel. Criteria: ClinGen MyeloMalig ACMG Specifications v2. Collection method: curation. Allele origin: germline. Inheritance: Autosomal dominant inheritance.
Comment: NM_001754.5(RUNX1):c.165G>T (p.Ala55=) is a synonymous variant which has a SpliceAI score ≤ 0.20 (0.02) (BP4). This variant has a SpliceAI score ≤ 0.20 (0.02) and evolutionary conservation algorithms predict the site as not being conserved (PhyloP score ≤ 2.0 (1.33)) (BP7). This variant is completely absent from all population databases with at least 20x coverage for RUNX1 (PM2_supporting). In summary, the clinical significance of this variant is uncertain. ACMG/AMP criteria applied, as specified by the Myeloid Malignancy Variant Curation Expert Panel for RUNX1: BP4, BP7, PM2_supporting.

Ambry Genetics
Classification: Likely benign for Inborn genetic diseases. Last evaluated: 2026-06-21. Review status: criteria provided, single submitter. Criteria: Ambry Variant Classification Scheme 2023. Collection method: clinical testing. Allele origin: germline. Not counted in ClinVar's aggregate classification.

Labcorp Genetics (formerly Invitae), Labcorp
Classification: Benign for Hereditary thrombocytopenia and hematological cancer predisposition syndrome associated with RUNX1. Last evaluated: 2023-11-11. Review status: criteria provided, single submitter. Criteria: Invitae Variant Classification Sherloc (09022015). Collection method: clinical testing. Allele origin: germline. Not counted in ClinVar's aggregate classification.